The following is an entry in ClinVar:

ClinVar aggregate classification (germline): Uncertain significance. Review status: criteria provided, multiple submitters, no conflicts (2 of 4 stars). 3 submissions from 3 submitters: Uncertain significance (3). Last evaluated 2025-06-23.

Conditions:
Cardiovascular phenotype. Identifiers: MedGen CN230736.
Cardiomyopathy (CMYO). Also called: Cardiomyopathies. Identifiers: Orphanet 167848, MedGen C0878544, MONDO:0004994, HP:0001638. Inheritance: Various modes of inheritance.
Hypertrophic cardiomyopathy. Also called: HYPERTROPHIC MYOCARDIOPATHY. Identifiers: Orphanet 217569, MedGen C0007194, MeSH D002312, MONDO:0005045, HP:0001639.

Submissions (3):

Ambry Genetics
Classification: Uncertain significance for Cardiovascular phenotype. Last evaluated: 2025-06-23. Review status: criteria provided, single submitter. Criteria: Ambry Variant Classification Scheme 2023. Collection method: clinical testing. Allele origin: germline.
Comment: The p.Y164C variant (also known as c.491A>G), located in coding exon 3 of the MYH7 gene, results from an A to G substitution at nucleotide position 491. The tyrosine at codon 164 is replaced by cysteine, an amino acid with highly dissimilar properties. This amino acid position is well conserved in available vertebrate species. In addition, the in silico prediction for this alteration is inconclusive. Based on the available evidence, the clinical significance of this variant remains unclear.

Labcorp Genetics (formerly Invitae), Labcorp
Classification: Uncertain significance for Hypertrophic cardiomyopathy. Last evaluated: 2025-01-31. Review status: criteria provided, single submitter. Criteria: Invitae Variant Classification Sherloc (09022015). Collection method: clinical testing. Allele origin: germline.
Comment: This sequence change replaces tyrosine, which is neutral and polar, with cysteine, which is neutral and slightly polar, at codon 164 of the MYH7 protein (p.Tyr164Cys). This variant is not present in population databases (gnomAD no frequency). This variant has not been reported in the literature in individuals affected with MYH7-related conditions. ClinVar contains an entry for this variant (Variation ID: 1975299). Invitae Evidence Modeling of protein sequence and biophysical properties (such as structural, functional, and spatial information, amino acid conservation, physicochemical variation, residue mobility, and thermodynamic stability) indicates that this missense variant is expected to disrupt MYH7 protein function with a positive predictive value of 95%. In summary, the available evidence is currently insufficient to determine the role of this variant in disease. Therefore, it has been classified as a Variant of Uncertain Significance.

All of Us Research Program, National Institutes of Health
Classification: Uncertain significance for Cardiomyopathy. Last evaluated: 2024-01-03. Review status: criteria provided, single submitter. Criteria: ACMG Guidelines, 2015. Collection method: clinical testing. Allele origin: germline. Inheritance: Autosomal dominant inheritance. Observed: 1 variant allele, 1 heterozygote.
Comment: This missense variant replaces tyrosine with cysteine at codon 164 of the MYH7 protein. Computational prediction is inconclusive regarding the impact of this variant on protein structure and function (internally defined REVEL score threshold 0.5 < inconclusive < 0.7, PMID: 27666373). To our knowledge, functional studies have not been reported for this variant. This variant has not been reported in individuals affected with MYH7-related disorders in the literature. This variant has not been identified in the general population by the Genome Aggregation Database (gnomAD). The available evidence is insufficient to determine the role of this variant in disease conclusively. Therefore, this variant is classified as a Variant of Uncertain Significance.

This study involves interpretation of variants in research participants for the purpose of population health screening. Participant phenotype was not available at the time of variant classification. Additional details can be found in publication PMID: 35346344, PMCID: PMC8962531

NM_000257.4(MYH7):c.491A>G (p.Tyr164Cys)

Gene: MYH7 (myosin heavy chain 7; minus strand). Cytogenetic location: 14q11.2.
Variant type: single nucleotide variant.
Coding change: c.491A>G on transcript NM_000257.4 (MANE Select); coding-DNA position 491, A replaced by G.
Protein change: p.Tyr164Cys; replaces tyrosine 164 with cysteine.
Molecular consequence: missense variant.
Genome position (GRCh38, 1-based): chr14:23,432,650, T>C on the plus strand (A>G on the coding strand, the complement: MYH7 is on the minus strand). VCF-style: chr14-23432650-T-C. GRCh37 (hg19) VCF-style: chr14-23901859-T-C.
Other names: c.491A>G, p.Tyr164Cys (NM_001407004.1); short protein forms Y164C.
Identifiers: ClinVar variation 1975299 (VCV001975299.7), dbSNP rs2502317496, ClinGen allele CA389052707.